The following is an entry in ClinVar:

NM_004208.4(AIFM1):c.26C>T (p.Ala9Val)

Genes: RAB33A (RAB33A, member RAS oncogene family; plus strand), AIFM1 (apoptosis inducing factor mitochondria associated 1; minus strand), LOC130068679 (ATAC-STARR-seq lymphoblastoid active region 29939; plus strand). Cytogenetic location: Xq26.1.
Variant type: single nucleotide variant.
Coding change: c.26C>T on transcript NM_004208.4 (MANE Select); coding-DNA position 26, C replaced by T.
Protein change: p.Ala9Val; replaces alanine 9 with valine.
Molecular consequence: missense variant. On other transcripts: non-coding transcript variant (1).
Genome position (GRCh38, 1-based): chrX:130,165,631, G>A on the plus strand (C>T on the coding strand, the complement: AIFM1 is on the minus strand). VCF-style: chrX-130165631-G-A. GRCh37 (hg19) VCF-style: chrX-129299605-G-A.
Other names: c.26C>T, p.Ala9Val (NM_001130847.4, NM_145812.3); short protein forms A9V.
Identifiers: ClinVar variation 4535592 (VCV004535592.1).
Genomic context (GRCh38, chrX:130,165,631, plus strand): 5'-CTCGGGCTTCGGACGCACACGGTCCGCACCAAGGGCACCAGCTTCTGCTTCAAAGCACCC[G>A]CCGCCAGGCCTCCACACCGGAACATTTCGGCGACCGCTATTCGGGACCTCCTCCTTCCCT-3'
Protein context (NP_004199.1, residues 1-19): MFRCGGLA[Ala9Val]GALKQKLVPL

ClinVar aggregate classification (germline): Uncertain significance (1 of 4 stars; one submission).

Submission:

Women's Health and Genetics/Laboratory Corporation of America, LabCorp
Classification: Uncertain significance. Last evaluated: 2025-09-11. Review status: criteria provided, single submitter. Criteria: LabCorp Variant Classification Summary - May 2015. Collection method: clinical testing. Allele origin: germline.
Comment: Variant summary: AIFM1 c.26C>T (p.Ala9Val) results in a non-conservative amino acid change in the encoded protein sequence. Algorithms developed to predict the effect of missense changes on protein structure and function are either unavailable or do not agree on the potential impact of this missense change. The variant was absent in 158523 control chromosomes. The available data on variant occurrences in the general population are insufficient to allow any conclusion about variant significance. To our knowledge, no occurrence of c.26C>T in individuals affected with AIFM1-related conditions and no experimental evidence demonstrating its impact on protein function have been reported. No submitters have cited clinical-significance assessments for this variant to ClinVar. Based on the evidence outlined above, the variant was classified as uncertain significance.